The following is an entry in ClinVar:

ClinVar aggregate classification (germline): Likely benign. Review status: criteria provided, multiple submitters, no conflicts (2 of 4 stars). 3 submissions from 3 submitters: Likely benign (3). Last evaluated 2026-01-02.

Conditions:
SLC24A1-related disorder. Also called: SLC24A1-related condition.

gnomAD v4.1: 11 of 1,613,866 alleles (0.00068%); highest among the groups gnomAD compares: East Asian, 0.016%; no homozygotes.

Submissions (3):

Labcorp Genetics (formerly Invitae), Labcorp
Classification: Likely benign. Last evaluated: 2026-01-02. Review status: criteria provided, single submitter. Criteria: Invitae Variant Classification Sherloc (09022015). Collection method: clinical testing. Allele origin: germline.

PreventionGenetics, part of Exact Sciences
Classification: Likely benign for SLC24A1-related condition. Last evaluated: 2025-05-29. Review status: criteria provided, single submitter. Criteria: ACMG Guidelines, 2015. Collection method: clinical testing. Allele origin: germline.
Comment: This variant is classified as likely benign based on ACMG/AMP sequence variant interpretation guidelines (Richards et al. 2015 PMID: 25741868, with internal and published modifications).

Blueprint Genetics
Classification: Likely benign. Last evaluated: 2023-09-18. Review status: criteria provided, single submitter. Criteria: ACMG Guidelines, 2015. Collection method: clinical testing. Allele origin: germline.

NM_004727.3(SLC24A1):c.102C>A (p.Ile34=)

Gene: SLC24A1 (solute carrier family 24 member 1; plus strand). Cytogenetic location: 15q22.31.
Variant type: single nucleotide variant.
Coding change: c.102C>A on transcript NM_004727.3 (MANE Select); coding-DNA position 102, C replaced by A.
Protein change: p.Ile34=; no amino-acid change (isoleucine 34 retained).
Molecular consequence: synonymous variant.
Genome position (GRCh38, 1-based): chr15:65,624,182, C>A. VCF-style: chr15-65624182-C-A. GRCh37 (hg19) VCF-style: chr15-65916520-C-A.
Other names: c.102C>A, p.Ile34= (NM_001301031.1, NM_001301032.1, NM_001301033.2 and 1 more transcripts); c.102C>A (NM_004727.2).
Identifiers: ClinVar variation 3676356 (VCV003676356.4).